The following is an entry in ClinVar:

ClinVar aggregate classification (germline): Uncertain significance (1 of 4 stars; one submission).

Conditions:
Beckwith-Wiedemann syndrome (BWS). Also called: Exomphalos macroglossia gigantism syndrome; EMG SYNDROME. Identifiers: Orphanet 116, MedGen C0004903, MONDO:0007534, OMIM 130650.

Submission:

Labcorp Genetics (formerly Invitae), Labcorp
Classification: Uncertain significance for Beckwith-Wiedemann syndrome. Last evaluated: 2020-06-13. Review status: criteria provided, single submitter. Criteria: Invitae Variant Classification Sherloc (09022015). Collection method: clinical testing. Allele origin: germline.
Comment: In summary, the available evidence is currently insufficient to determine the role of this variant in disease. Therefore, it has been classified as a Variant of Uncertain Significance. This variant has not been reported in the literature in individuals with CDKN1C-related conditions. This variant is not present in population databases (ExAC no frequency). This sequence change replaces proline with arginine at codon 237 of the CDKN1C protein (p.Pro237Arg). The proline residue is weakly conserved and there is a moderate physicochemical difference between proline and arginine.

NM_001122630.2(CDKN1C):c.677C>G (p.Pro226Arg)

Gene: CDKN1C (cyclin dependent kinase inhibitor 1C; minus strand). Cytogenetic location: 11p15.4.
Variant type: single nucleotide variant.
Coding change: c.677C>G on transcript NM_001122630.2 (MANE Select); coding-DNA position 677, C replaced by G.
Protein change: p.Pro226Arg; replaces proline 226 with arginine.
Molecular consequence: missense variant. On other transcripts: intron variant (1).
Genome position (GRCh38, 1-based): chr11:2,884,780, G>C on the plus strand (C>G on the coding strand, the complement: CDKN1C is on the minus strand). VCF-style: chr11-2884780-G-C. GRCh37 (hg19) VCF-style: chr11-2906010-G-C.
Other names: c.710C>G, p.Pro237Arg (NM_000076.2, NM_001362474.2); c.677C>G, p.Pro226Arg (NM_001122631.2); c.255+422C>G (NM_001362475.2); short protein forms P226R, P237R.
Identifiers: ClinVar variation 1044694 (VCV001044694.8), dbSNP rs1848923335, ClinGen allele CA379145758.
Genomic context (GRCh38, chr11:2,884,780, plus strand): 5'-GCGGCCGCGGTGCCGGCCGCGGGACGTCCCGAAATCCCCGAGTGCAGCTGGTCAGCGAGA[G>C]GCTCCTGGCCGCGCTGCCCCTGGTTCGCGCCCTGCTCGGCGCTCTCTTGAGGCGCCGCGT-3'
Protein context (NP_001116102.1, residues 216-236): GANQGQRGQE[Pro226Arg]LADQLHSGIS